The following is an entry in ClinVar:

ClinVar aggregate classification (germline): Uncertain significance (1 of 4 stars; one submission).

Conditions:
Neurofibromatosis, type 2 (SWNV). Also called: BILATERAL ACOUSTIC NEUROFIBROMATOSIS; SCHWANNOMATOSIS, VESTIBULAR; NF2-Related Schwannomatosis. Identifiers: Orphanet 637, MedGen C0027832, MONDO:0007039, OMIM 101000. Disease mechanism: loss of function.

gnomAD v4.1: 2 of 1,614,028 alleles (0.00012%); highest among the groups gnomAD compares: Non-Finnish European, 0.000085%; no homozygotes.

Submission:

Labcorp Genetics (formerly Invitae), Labcorp
Classification: Uncertain significance for Neurofibromatosis, type 2. Last evaluated: 2024-10-23. Review status: criteria provided, single submitter. Criteria: Invitae Variant Classification Sherloc (09022015). Collection method: clinical testing. Allele origin: germline.
Comment: This sequence change replaces aspartic acid, which is acidic and polar, with tyrosine, which is neutral and polar, at codon 508 of the NF2 protein (p.Asp508Tyr). This variant is not present in population databases (gnomAD no frequency). This variant has not been reported in the literature in individuals affected with NF2-related conditions. ClinVar contains an entry for this variant (Variation ID: 961122). Invitae Evidence Modeling of protein sequence and biophysical properties (such as structural, functional, and spatial information, amino acid conservation, physicochemical variation, residue mobility, and thermodynamic stability) has been performed for this missense variant. However, the output from this modeling did not meet the statistical confidence thresholds required to predict the impact of this variant on NF2 protein function. In summary, the available evidence is currently insufficient to determine the role of this variant in disease. Therefore, it has been classified as a Variant of Uncertain Significance.

NM_000268.4(NF2):c.1522G>T (p.Asp508Tyr)

Gene: NF2 (NF2, moesin-ezrin-radixin like (MERLIN) tumor suppressor; plus strand). Cytogenetic location: 22q12.2.
Variant type: single nucleotide variant.
Coding change: c.1522G>T on transcript NM_000268.4 (MANE Select); coding-DNA position 1522, G replaced by T.
Protein change: p.Asp508Tyr; replaces aspartic acid 508 with tyrosine.
Molecular consequence: missense variant. On other transcripts: non-coding transcript variant (1), intron variant (1).
Genome position (GRCh38, 1-based): chr22:29,678,271, G>T. VCF-style: chr22-29678271-G-T. GRCh37 (hg19) VCF-style: chr22-30074260-G-T.
Other names: c.1522G>T, p.Asp508Tyr (NM_016418.5, NM_181825.3, NM_181832.3); c.1396G>T, p.Asp466Tyr (NM_181828.3); c.1399G>T, p.Asp467Tyr (NM_181829.3); c.1273G>T, p.Asp425Tyr (NM_181830.3, NM_181831.3); c.448-16481G>T (NM_181833.3); short protein forms D508Y, D425Y, D467Y, D466Y.
Identifiers: ClinVar variation 961122 (VCV000961122.10), dbSNP rs749326764, ClinGen allele CA411149696.